The following is an entry in ClinVar:

ClinVar aggregate classification (germline): Likely benign. Review status: criteria provided, multiple submitters, no conflicts (2 of 4 stars). 3 submissions from 3 submitters: Likely benign (3). Last evaluated 2026-02-02.

Conditions:
GATA1-related disorder. Also called: GATA1-related condition.
GATA binding protein 1 related thrombocytopenia with dyserythropoiesis. Also called: GATA1-Related Cytopenia; GATA1-Related X-Linked Cytopenia. Identifiers: MedGen C1845837, MONDO:0100089.
Diamond-Blackfan anemia. Also called: Blackfan Diamond syndrome; Aregenerative anemia chronic congenital; Red cell aplasia, pure hereditary; Congenital hypoplastic anemia; Aase syndrome. Identifiers: Orphanet 124, MedGen C1260899, MeSH D029503, MONDO:0015253, HP:0004810.

Allele frequency attached by ClinVar (database versions not stated): gnomAD 0.00005 and 0.00006; ExAC 0.00007; ESP Exome Variant Server 0.00009; gnomAD exomes 0.00010.
gnomAD v4.1: 51 of 1,209,781 alleles (0.0042%); highest among the groups gnomAD compares: Non-Finnish European, 0.00078%; no homozygotes.

Submissions (3):

Labcorp Genetics (formerly Invitae), Labcorp
Classification: Likely benign for GATA binding protein 1 related thrombocytopenia with dyserythropoiesis; Diamond-Blackfan anemia. Last evaluated: 2026-02-02. Review status: criteria provided, single submitter. Criteria: Invitae Variant Classification Sherloc (09022015). Collection method: clinical testing. Allele origin: germline.

PreventionGenetics, part of Exact Sciences
Classification: Likely benign for GATA1-related condition. Last evaluated: 2025-06-15. Review status: criteria provided, single submitter. Criteria: ACMG Guidelines, 2015. Collection method: clinical testing. Allele origin: germline.
Comment: This variant is classified as likely benign based on ACMG/AMP sequence variant interpretation guidelines (Richards et al. 2015 PMID: 25741868, with internal and published modifications).

Blueprint Genetics
Classification: Likely benign. Last evaluated: 2023-05-04. Review status: criteria provided, single submitter. Criteria: ACMG Guidelines, 2015. Collection method: clinical testing. Allele origin: germline.

NM_002049.4(GATA1):c.480T>C (p.Asn160=)

Gene: GATA1 (GATA binding protein 1; plus strand). Cytogenetic location: Xp11.23.
Variant type: single nucleotide variant.
Coding change: c.480T>C on transcript NM_002049.4 (MANE Select); coding-DNA position 480, T replaced by C.
Protein change: p.Asn160=; no amino-acid change (asparagine 160 retained).
Molecular consequence: synonymous variant.
Genome position (GRCh38, 1-based): chrX:48,792,103, T>C. VCF-style: chrX-48792103-T-C. GRCh37 (hg19) VCF-style: chrX-48650510-T-C.
Other names: c.480T>C (NM_002049.3).
Identifiers: ClinVar variation 1628277 (VCV001628277.10), dbSNP rs143332634, ClinGen allele CA10404609.